The following is an entry in ClinVar:

ClinVar aggregate classification (germline): Uncertain significance (1 of 4 stars; one submission).

Conditions:
Retinitis pigmentosa 12 (RP12). Also called: RP WITH OR WITHOUT PRESERVED PARAARTERIOLE RETINAL PIGMENT EPITHELIUM; RETINITIS PIGMENTOSA WITH OR WITHOUT PARAARTERIOLAR PRESERVATION OF RETINAL PIGMENT EPITHELIUM; RP WITH OR WITHOUT PPRPE. Identifiers: Orphanet 791, MedGen C1838647, MONDO:0010818, OMIM 600105.
Leber congenital amaurosis 8 (LCA8). Identifiers: Orphanet 65, MedGen C3151202, MONDO:0013453, OMIM 613835.

Submission:

Labcorp Genetics (formerly Invitae), Labcorp
Classification: Uncertain significance for Leber congenital amaurosis 8; Retinitis pigmentosa 12. Last evaluated: 2021-08-28. Review status: criteria provided, single submitter. Criteria: Invitae Variant Classification Sherloc (09022015). Collection method: clinical testing. Allele origin: germline.
Comment: This sequence change replaces tyrosine with asparagine at codon 760 of the CRB1 protein (p.Tyr760Asn). The tyrosine residue is highly conserved and there is a large physicochemical difference between tyrosine and asparagine. This variant is not present in population databases (ExAC no frequency). This variant has not been reported in the literature in individuals affected with CRB1-related conditions. Algorithms developed to predict the effect of missense changes on protein structure and function (SIFT, PolyPhen-2, Align-GVGD) all suggest that this variant is likely to be disruptive. In summary, the available evidence is currently insufficient to determine the role of this variant in disease. Therefore, it has been classified as a Variant of Uncertain Significance.

NM_201253.3(CRB1):c.2278T>A (p.Tyr760Asn)

Gene: CRB1 (crumbs cell polarity complex component 1; plus strand). Cytogenetic location: 1q31.3.
Variant type: single nucleotide variant.
Coding change: c.2278T>A on transcript NM_201253.3 (MANE Select); coding-DNA position 2278, T replaced by A.
Protein change: p.Tyr760Asn; replaces tyrosine 760 with asparagine.
Molecular consequence: missense variant. On other transcripts: non-coding transcript variant (2), intron variant (1).
Genome position (GRCh38, 1-based): chr1:197,427,603, T>A. VCF-style: chr1-197427603-T-A. GRCh37 (hg19) VCF-style: chr1-197396733-T-A.
Other names: c.2128+5647T>A (NM_001257966.2); c.1942T>A, p.Tyr648Asn (NM_001193640.2); c.2071T>A, p.Tyr691Asn (NM_001257965.2); short protein forms Y691N, Y648N, Y760N.
Identifiers: ClinVar variation 1384070 (VCV001384070.5), dbSNP rs2125484022, ClinGen allele CA344036881.